The following is an entry in ClinVar:

NM_001378454.1(ALMS1):c.11626A>G (p.Asn3876Asp)

Gene: ALMS1 (ALMS1 centrosome and basal body associated protein; plus strand). Cytogenetic location: 2p13.1.
Variant type: single nucleotide variant.
Coding change: c.11626A>G on transcript NM_001378454.1 (MANE Select); coding-DNA position 11626, A replaced by G.
Protein change: p.Asn3876Asp; replaces asparagine 3876 with aspartic acid.
Molecular consequence: missense variant.
Genome position (GRCh38, 1-based): chr2:73,599,479, A>G. VCF-style: chr2-73599479-A-G. GRCh37 (hg19) VCF-style: chr2-73826606-A-G.
Other names: c.11629A>G, p.Asn3877Asp (NM_015120.4); short protein forms N3877D, N3876D.
Identifiers: ClinVar variation 550857 (VCV000550857.23), dbSNP rs377130177, ClinGen allele CA1715262.

ClinVar aggregate classification (germline): Conflicting classifications of pathogenicity. Review status: criteria provided, conflicting classifications (1 of 4 stars). 9 submissions from 9 submitters: Uncertain significance (6); Likely benign (1). 2 of the submissions do not count toward it. Last evaluated 2026-02-17.

Conditions:
Cardiovascular phenotype. Identifiers: MedGen CN230736.
Alstrom syndrome (ALMS). Identifiers: Orphanet 64, MedGen C0268425, MONDO:0008763, OMIM 203800.

Allele frequency attached by ClinVar (database versions not stated): gnomAD exomes 0.00002 and 0.00003; ExAC 0.00003; 1000 Genomes Project 30x 0.00016; 1000 Genomes Project 0.00020; gnomAD 0.00022 and 0.00026; TOPMed 0.00022; ESP Exome Variant Server 0.00025.
gnomAD v4.1: 58 of 1,613,686 alleles (0.0036%); highest among the groups gnomAD compares: African/African-American, 0.065%; no homozygotes.

Submissions (9):

Women's Health and Genetics/Laboratory Corporation of America, LabCorp
Classification: Uncertain significance. Last evaluated: 2026-02-17. Review status: criteria provided, single submitter. Criteria: LabCorp Variant Classification Summary - May 2015. Collection method: clinical testing. Allele origin: germline.
Comment: Variant summary: ALMS1 c.11623A>G (p.Asn3875Asp) (also known as c.11629A>G, p.Asn3877Asp in RefSeq) results in a conservative amino acid change in the encoded protein sequence. Algorithms developed to predict the effect of missense changes on protein structure and function all suggest that this variant is likely to be tolerated. The variant allele was found at a frequency of 2.8e-05 in 249004 control chromosomes. The available data on variant occurrences in the general population are insufficient to allow any conclusion about variant significance. c.11623A>G has been observed in individual(s) affected with Usher Syndrome, without strong evidence for causality (Bujakowska_2014). These report(s) do not provide unequivocal conclusions about association of the variant with Alstrom syndrome. To our knowledge, no experimental evidence demonstrating an impact on protein function has been reported. The following publication has been ascertained in the context of this evaluation (PMID: 25468891). ClinVar contains an entry for this variant (Variation ID: 550857). Based on the evidence outlined above, the variant was classified as uncertain significance.

Labcorp Genetics (formerly Invitae), Labcorp
Classification: Uncertain significance for Alstrom syndrome. Last evaluated: 2026-01-31. Review status: criteria provided, single submitter. Criteria: Invitae Variant Classification Sherloc (09022015). Collection method: clinical testing. Allele origin: germline.
Comment: This sequence change replaces asparagine, which is neutral and polar, with aspartic acid, which is acidic and polar, at codon 3877 of the ALMS1 protein (p.Asn3877Asp). This variant is present in population databases (rs377130177, gnomAD 0.06%). This missense change has been observed in individual(s) with clinical features of ALMS1-related disease (PMID: 25468891). This variant is also known as c.11623A>G, p.Asn3875Asp. ClinVar contains an entry for this variant (Variation ID: 550857). Experimental studies and prediction algorithms are not available or were not evaluated, and the functional significance of this variant is currently unknown. In summary, the available evidence is currently insufficient to determine the role of this variant in disease. Therefore, it has been classified as a Variant of Uncertain Significance.

GeneDx
Classification: Uncertain significance. Last evaluated: 2025-03-18. Review status: criteria provided, single submitter. Criteria: GeneDx Variant Classification Process June 2021. Collection method: clinical testing. Allele origin: germline. Affected: yes.
Comment: In silico analysis indicates that this missense variant does not alter protein structure/function; Also known as p.(N3875D); This variant is associated with the following publications: (PMID: 25468891)

Clinical Genomics Laboratory, Washington University in St. Louis
Classification: Uncertain significance for Alstrom syndrome. Last evaluated: 2025-01-28. Review status: criteria provided, single submitter. Criteria: ACMG Guidelines, 2015. Collection method: clinical testing. Allele origin: germline.
Comment: The ALMS1 c.11626A>G (p.Asn3876Asp), also published as c.11623A>G (p.Asn3875Asp), has been reported as a germline variant in one individual with Usher syndrome, type 1 (Bujakowska KM et al., PMID: 25468891). These three ALMS1 variants may constitute a haplotype, which may be inferred from the similarity in their frequency in the population databases, and there is no data that shows that one of these three variants is in trans with the other two. The ALMS1 c.11626A>G (p.Asn3876Asp) variant has been reported in the ClinVar database as a germline variant of uncertain significance by five submitters and as a germline likely benign variant by one submitter (Variation ID: 550857). This variant has been observed on 14/280,356 alleles in the general population (gnomAD v2.1.1). Computational predictors suggest that the variant does not impact ALMS1 function. Due to limited information, and based on ACMG/AMP guidelines for variant interpretation (Richards S et al., PMID: 25741868), the clinical significance of this variant is uncertain at this time.

Ambry Genetics
Classification: Likely benign for Cardiovascular phenotype. Last evaluated: 2024-09-24. Review status: criteria provided, single submitter. Criteria: Ambry Variant Classification Scheme 2023. Collection method: clinical testing. Allele origin: germline.

Fulgent Genetics
Classification: Uncertain significance for Alstrom syndrome. Last evaluated: 2022-03-15. Review status: criteria provided, single submitter. Criteria: ACMG Guidelines, 2015. Collection method: clinical testing. Allele origin: unknown.

Blueprint Genetics
Classification: Uncertain significance. Last evaluated: 2022-03-09. Review status: criteria provided, single submitter. Criteria: ACMG Guidelines, 2015. Collection method: clinical testing. Allele origin: germline.

Natera, Inc.
Classification: Uncertain significance for Alstrom syndrome. Last evaluated: 2020-08-13. Review status: no assertion criteria provided. Collection method: clinical testing. Allele origin: germline. Not counted in ClinVar's aggregate classification.

Counsyl
Classification: Uncertain significance for Alstrom syndrome. Last evaluated: 2017-03-22. Review status: no assertion criteria provided. Collection method: clinical testing. Allele origin: unknown. Not counted in ClinVar's aggregate classification.

Literature cited by the submitters: PubMed 25468891 (cited by 4 submitters); PubMed 36413997 (cited by Ambry Genetics).